The following is an entry in ClinVar:

NM_001291867.2(NHS):c.1084del (p.Cys362fs)

Gene: NHS (NHS actin remodeling regulator; plus strand). Cytogenetic location: Xp22.13.
Variant type: Deletion.
Coding change: c.1084del on transcript NM_001291867.2 (MANE Select); coding-DNA position 1084, one base deleted (T; older notation c.1084delT).
Protein change: p.Cys362fs; shifts the reading frame from cysteine 362.
Molecular consequence: frameshift variant.
Genome position (GRCh38, 1-based): chrX:17,721,609, T deleted; the last of 2 consecutive T bases (chrX:17,721,608-17,721,609); deleting either gives the same sequence. VCF-style (leftmost placement, unchanged base first): chrX-17721607-CT-C. GRCh37 (hg19) VCF-style: chrX-17739727-CT-C.
Other names: c.553del, p.Cys185fs (NM_001136024.4); c.490del, p.Cys164fs (NM_001291868.2); c.1021del, p.Cys341fs (NM_198270.4); short protein forms C164fs, C185fs, C341fs, C362fs.
Identifiers: ClinVar variation 1998013 (VCV001998013.4), dbSNP rs2519927471, ClinGen allele CA2580100380.

ClinVar aggregate classification (germline): Pathogenic (1 of 4 stars; one submission).

Conditions:
Nance-Horan syndrome (NHS). Identifiers: Orphanet 627, MedGen C0796085, MONDO:0010545, OMIM 302350.

Submission:

Labcorp Genetics (formerly Invitae), Labcorp
Classification: Pathogenic for Nance-Horan syndrome. Last evaluated: 2022-07-03. Review status: criteria provided, single submitter. Criteria: Invitae Variant Classification Sherloc (09022015). Collection method: clinical testing. Allele origin: germline.
Comment: This variant has not been reported in the literature in individuals affected with NHS-related conditions. This variant is not present in population databases (gnomAD no frequency). This sequence change creates a premature translational stop signal (p.Cys341Alafs*35) in the NHS gene. It is expected to result in an absent or disrupted protein product. Loss-of-function variants in NHS are known to be pathogenic (PMID: 14564667, 19414485). For these reasons, this variant has been classified as Pathogenic.

Literature cited by the submitters: PubMed 14564667; PubMed 19414485.